The following is an entry in ClinVar:

NM_000302.4(PLOD1):c.1962G>A (p.Met654Ile)

Gene: PLOD1 (procollagen-lysine,2-oxoglutarate 5-dioxygenase 1; plus strand). Cytogenetic location: 1p36.22.
Variant type: single nucleotide variant.
Coding change: c.1962G>A on transcript NM_000302.4 (MANE Select); coding-DNA position 1962, G replaced by A.
Protein change: p.Met654Ile; replaces methionine 654 with isoleucine.
Molecular consequence: missense variant.
Genome position (GRCh38, 1-based): chr1:11,972,931, G>A. VCF-style: chr1-11972931-G-A. GRCh37 (hg19) VCF-style: chr1-12032988-G-A.
Other names: p.Met654Ile; c.2103G>A, p.Met701Ile (NM_001316320.2); short protein forms M654I, M701I.
Identifiers: ClinVar variation 2683694 (VCV002683694.1), dbSNP rs3177759, ClinGen allele CA338452369.

ClinVar aggregate classification (germline): Uncertain significance (1 of 4 stars; one submission).

Allele frequency attached by ClinVar (database versions not stated): gnomAD exomes below 0.00001; gnomAD 0.00001.
gnomAD v4.1: 2 of 1,613,996 alleles (0.00012%); highest among the groups gnomAD compares: Non-Finnish European, 0.00017%; no homozygotes.

Submission:

Mayo Clinic Laboratories, Mayo Clinic
Classification: Uncertain significance. Last evaluated: 2022-07-06. Review status: criteria provided, single submitter. Criteria: ACMG Guidelines, 2015. Collection method: clinical testing. Allele origin: germline. Observed: 1 variant allele.
Comment: BP4